The following is an entry in ClinVar:

ClinVar aggregate classification (germline): Uncertain significance (1 of 4 stars; one submission).

Conditions:
Familial thoracic aortic aneurysm and aortic dissection (TAAD). Also called: Thoracic aortic aneurysms and dissections. Identifiers: Orphanet 91387, MedGen C4707243, MONDO:0019625.

Submission:

Ambry Genetics
Classification: Uncertain significance for Familial thoracic aortic aneurysm and aortic dissection. Last evaluated: 2023-10-05. Review status: criteria provided, single submitter. Criteria: Ambry Variant Classification Scheme 2023. Collection method: clinical testing. Allele origin: germline.
Comment: The p.K999I variant (also known as c.2996A>T), located in coding exon 22 of the MYH11 gene, results from an A to T substitution at nucleotide position 2996. The lysine at codon 999 is replaced by isoleucine, an amino acid with dissimilar properties. This amino acid position is conserved. In addition, this alteration is predicted to be deleterious by in silico analysis. Since supporting evidence is limited at this time, the clinical significance of this alteration remains unclear.

NM_002474.3(MYH11):c.2996A>T (p.Lys999Ile)

Gene: MYH11 (myosin heavy chain 11; minus strand). Cytogenetic location: 16p13.11.
Variant type: single nucleotide variant.
Coding change: c.2996A>T on transcript NM_002474.3 (MANE Select); coding-DNA position 2996, A replaced by T.
Protein change: p.Lys999Ile; replaces lysine 999 with isoleucine.
Molecular consequence: missense variant.
Genome position (GRCh38, 1-based): chr16:15,740,052, T>A on the plus strand (A>T on the coding strand, the complement: MYH11 is on the minus strand). VCF-style: chr16-15740052-T-A. GRCh37 (hg19) VCF-style: chr16-15833909-T-A.
Other names: c.3017A>T, p.Lys1006Ile (NM_001040113.2, NM_001040114.2); c.2996A>T, p.Lys999Ile (NM_022844.3); short protein forms K1006I, K999I.
Identifiers: ClinVar variation 3222375 (VCV003222375.1), dbSNP rs894429587, ClinGen allele CA394864570.